The following is an entry in ClinVar:

NM_001144869.3(LIPT2):c.377T>G (p.Leu126Arg)

Gene: LIPT2 (lipoyl(octanoyl) transferase 2; minus strand). Cytogenetic location: 11q13.4.
Variant type: single nucleotide variant.
Coding change: c.377T>G on transcript NM_001144869.3 (MANE Select); coding-DNA position 377, T replaced by G.
Protein change: p.Leu126Arg; replaces leucine 126 with arginine.
Molecular consequence: missense variant. On other transcripts: intron variant (1).
Genome position (GRCh38, 1-based): chr11:74,493,327, A>C on the plus strand (T>G on the coding strand, the complement: LIPT2 is on the minus strand). VCF-style: chr11-74493327-A-C. GRCh37 (hg19) VCF-style: chr11-74204372-A-C.
Other names: NM_001144869.1:c.377T>G(p.Leu126Arg); c.377T>G, p.Leu126Arg (NM_001329941.2); c.237+140T>G (NM_001329942.2); short protein forms L126R.
Identifiers: ClinVar variation 438639 (VCV000438639.13), dbSNP rs753904927, ClinGen allele CA224979286.
Genomic context (GRCh38, chr11:74,493,327, plus strand): 5'-CAGACGCCAGTGTAGGGCGGGGGCCGCGCGCGGGCGTCCTGCAGGCCCTGGAGCTCGCAC[A>C]GGCGCACGGCGCACGCCTCCAGCGACGCTACGTGCATGCGCAAGCGCAGGCCGAGACGCC-3'
Protein context (NP_001138341.1, residues 116-136): VASLEACAVR[Leu126Arg]CELQGLQDAR

ClinVar aggregate classification (germline): Conflicting classifications of pathogenicity. Review status: criteria provided, conflicting classifications (1 of 4 stars). 6 submissions from 6 submitters: Pathogenic (1); Likely pathogenic (2); Uncertain significance (2). 1 of the submissions does not count toward it. Last evaluated 2025-09-29.

Conditions:
Encephalopathy, neonatal severe, with lactic acidosis and brain abnormalities (NELABA). Also called: Lipoyl transferase 2 deficiency; LIPOYLTRANSFERASE 2 DEFICIENCY. Identifiers: Orphanet 447795, MedGen C5681203, MONDO:0060562, OMIM 617668.
LIPT2-related disorder. Also called: LIPT2-related condition.

Allele frequency attached by ClinVar (database versions not stated): gnomAD exomes 0.00017 and 0.00032; gnomAD 0.00020 and 0.00019; TOPMed 0.00019.

Submissions (6):

Women's Health and Genetics/Laboratory Corporation of America, LabCorp
Classification: Uncertain significance. Last evaluated: 2025-09-29. Review status: criteria provided, single submitter. Criteria: LabCorp Variant Classification Summary - May 2015. Collection method: clinical testing. Allele origin: germline.
Comment: Variant summary: LIPT2 c.377T>G (p.Leu126Arg) results in a non-conservative amino acid change in the encoded protein sequence. Algorithms developed to predict the effect of missense changes on protein structure and function are either unavailable or do not agree on the potential impact of this missense change. The variant allele was found at a frequency of 0.00017 in 83428 control chromosomes. This frequency is not significantly higher than estimated for disease-causing variants in LIPT2, allowing no conclusion about variant significance. c.377T>G has been observed in compound heterozygous individuals affected with Encephalopathy, Neonatal Severe, With Lactic Acidosis And Brain Abnormalities (Habarou_2017, Lebigot_2017). These data indicate that the variant may be associated with disease. To our knowledge, no experimental evidence demonstrating an impact on protein function has been reported. The following publications have been ascertained in the context of this evaluation (PMID: 28757203, 28803783). ClinVar contains an entry for this variant (Variation ID: 438639). Based on the evidence outlined above, the variant was classified as VUS-possibly pathogenic.

PreventionGenetics, part of Exact Sciences
Classification: Likely pathogenic for LIPT2-related condition. Last evaluated: 2023-03-02. Review status: criteria provided, single submitter. Criteria: ACMG Guidelines, 2015. Collection method: clinical testing. Allele origin: germline.
Comment: The LIPT2 c.377T>G variant is predicted to result in the amino acid substitution p.Leu126Arg. This variant was reported in a compound heterozygous individual with severe neonatal encephalopathy (Habarou et al 2017. PubMed ID: 28757203). Biochemical and functional studies support pathogenicity for the c.377T>C change (Lebigot E et al 2017. PubMed ID: 28803783). This variant is reported in 0.045% of alleles in individuals of European (Non-Finnish) descent in gnomAD. This variant is interpreted as likely pathogenic.

Labcorp Genetics (formerly Invitae), Labcorp
Classification: Uncertain significance. Last evaluated: 2022-09-19. Review status: criteria provided, single submitter. Criteria: Invitae Variant Classification Sherloc (09022015). Collection method: clinical testing. Allele origin: germline.
Comment: In summary, the available evidence is currently insufficient to determine the role of this variant in disease. Therefore, it has been classified as a Variant of Uncertain Significance. Algorithms developed to predict the effect of missense changes on protein structure and function are either unavailable or do not agree on the potential impact of this missense change (SIFT: "Not Available"; PolyPhen-2: "Possibly Damaging"; Align-GVGD: "Not Available"). ClinVar contains an entry for this variant (Variation ID: 438639). This missense change has been observed in individuals with neonatal encephalopathy with lactic acidosis and brain anomalies (PMID: 28757203). It has also been observed to segregate with disease in related individuals. This variant is present in population databases (rs753904927, gnomAD 0.04%). This sequence change replaces leucine, which is neutral and non-polar, with arginine, which is basic and polar, at codon 126 of the LIPT2 protein (p.Leu126Arg).

SIB Swiss Institute of Bioinformatics
Classification: Likely pathogenic for Encephalopathy, neonatal severe, with lactic acidosis and brain abnormalities. Last evaluated: 2018-04-16. Review status: criteria provided, single submitter. Criteria: ACMG Guidelines, 2015. Collection method: curation. Allele origin: germline.
Comment: This variant is interpreted as a Likely Pathogenic, for Encephalopathy, neonatal severe, with lactic acidosis and brain abnormalities, Autosomal Recessive inheritance. The following ACMG Tag(s) were applied: PS3 => Well-established functional studies show a deleterious effect (PMID:28757203). PM2 => Absent from controls (or at extremely low frequency if recessive) in Exome Sequencing Project, 1000 Genomes Project, or Exome Aggregation Consortium. PS4-Moderate => PS4 downgraded in strength to Moderate (PMID:28757203). PP1 => Cosegregation with disease in multiple affected family members in a gene definitively known to cause the disease (PMID:28757203).

Institute of Human Genetics Munich, TUM University Hospital
Classification: Pathogenic for Encephalopathy, neonatal severe, with lactic acidosis and brain abnormalities. Last evaluated: 2018-01-04. Review status: criteria provided, single submitter. Criteria: Classification criteria August 2017. Collection method: clinical testing. Allele origin: germline. Inheritance: Autosomal recessive inheritance. Affected: yes. Observed: 1 compound heterozygote.

OMIM
Classification: Pathogenic for ENCEPHALOPATHY, NEONATAL SEVERE, WITH LACTIC ACIDOSIS AND BRAIN ABNORMALITIES. Last evaluated: 2017-09-16. Review status: no assertion criteria provided. Collection method: literature only. Allele origin: germline. Not counted in ClinVar's aggregate classification.

Literature cited by the submitters: PubMed 28803783 (cited by Women's Health and Genetics/Laboratory Corporation of America, LabCorp); PubMed 28757203 (cited by 5 submitters).